The following is an entry in ClinVar:

ClinVar aggregate classification (germline): Pathogenic/Likely pathogenic. Review status: criteria provided, multiple submitters, no conflicts (2 of 4 stars). 4 submissions from 4 submitters: Pathogenic (2); Likely pathogenic (2). Last evaluated 2024-05-07.

Conditions:
Alport syndrome. Also called: Hemorrhagic familial nephritis; Hemorrhagic hereditary nephritis; Congenital hereditary hematuria. Identifiers: Orphanet 63, MedGen C1567741, MONDO:0018965.
X-linked Alport syndrome (ATS1). Also called: NEPHROPATHY AND DEAFNESS, X-LINKED; COL4A5-Related Nephropathy. Identifiers: Orphanet 63, Orphanet 88917, MedGen C4746986, MONDO:0010520, OMIM 301050.

Allele frequency attached by ClinVar (database versions not stated): gnomAD exomes below 0.00001.
gnomAD v4.1: 1 of 1,207,370 alleles (0.000083%); highest among the groups gnomAD compares: Non-Finnish European, 0.00011%; no homozygotes.

Submissions (4):

Fulgent Genetics
Classification: Likely pathogenic for X-linked Alport syndrome. Last evaluated: 2024-05-07. Review status: criteria provided, single submitter. Criteria: ACMG Guidelines, 2015. Collection method: clinical testing. Allele origin: germline.

Women's Health and Genetics/Laboratory Corporation of America, LabCorp
Classification: Pathogenic for X-linked Alport syndrome. Last evaluated: 2024-05-03. Review status: criteria provided, single submitter. Criteria: LabCorp Variant Classification Summary - May 2015. Collection method: clinical testing. Allele origin: germline.
Comment: Variant summary: COL4A5 c.689G>T (p.Gly230Val) results in a non-conservative amino acid change within the triple-helical region (UniProt) of the encoded protein sequence. This missense variant disrupts a critical glycine residue at position 1 of a Gly-X-Y repeat in the collagenous domain of the collagen IV alpha 5 chain, and variants affecting these glycine residues are significantly enriched in individuals with Alport syndrome (PMID: 33854215). Three of three in-silico tools predict a damaging effect of the variant on protein function. Consensus agreement among computation tools predict no significant impact on normal splicing. However, these predictions have yet to be confirmed by functional studies. The variant was absent in 183221 control chromosomes. c.689G>T has been reported in the literature in individuals affected with Alport Syndrome 1, X-Linked Recessive (Gao_2023). Additionally, other missense variants in the same residue (G230D, G230C, G230S, G230R) have been classified as pathogenic in ClinVar (G230D). To our knowledge, no experimental evidence demonstrating an impact on protein function has been reported. The following publication have been ascertained in the context of this evaluation (PMID: 36685964). ClinVar contains an entry for this variant (Variation ID: 930192). Based on the evidence outlined above, the variant was classified as pathogenic.

Labcorp Genetics (formerly Invitae), Labcorp
Classification: Pathogenic. Last evaluated: 2021-06-08. Review status: criteria provided, single submitter. Criteria: Invitae Variant Classification Sherloc (09022015). Collection method: clinical testing. Allele origin: germline.
Comment: This sequence change replaces glycine with valine at codon 230 of the COL4A5 protein (p.Gly230Val). The glycine residue is highly conserved and there is a moderate physicochemical difference between glycine and valine. This variant is not present in population databases (ExAC no frequency). This variant has not been reported in the literature in individuals with COL4A5-related conditions. ClinVar contains an entry for this variant (Variation ID: 930192). Algorithms developed to predict the effect of missense changes on protein structure and function are either unavailable or do not agree on the potential impact of this missense change (SIFT: "Deleterious"; PolyPhen-2: "Not Available"; Align-GVGD: "Class C0"). Algorithms developed to predict the effect of sequence changes on RNA splicing suggest that this variant may create or strengthen a splice site, but this prediction has not been confirmed by published transcriptional studies. This variant disrupts the triple helix domain of COL4A5. Glycine residues within the Gly-Xaa-Yaa repeats of the triple helix domain are required for the structure and stability of fibrillar collagens (PMID: 7695699, 8218237, 19344236). In COL4A5, missense variants at these glycine residues are significantly enriched in individuals with disease (PMID: 23720012, 27627812) compared to the general population (ExAC). This variant disrupts the p.Gly230 amino acid residue in COL4A5. Other variant(s) that disrupt this residue have been observed in individuals with COL4A5-related conditions (PMID: 30968591, 8940267, 19728970), which suggests that this may be a clinically significant amino acid residue. For these reasons, this variant has been classified as Pathogenic.

UNC Molecular Genetics  Laboratory, University of North Carolina at Chapel Hill
Classification: Likely pathogenic for Alport syndrome. Last evaluated: 2020-02-20. Review status: criteria provided, single submitter. Criteria: ACMG Guidelines, 2015. Collection method: clinical testing. Allele origin: germline. Affected: yes. Observed: 1 hemizygote.

Literature cited by the submitters: PubMed 36685964 (cited by Women's Health and Genetics/Laboratory Corporation of America, LabCorp); PubMed 7695699 (cited by Labcorp Genetics (formerly Invitae), Labcorp); PubMed 8218237 (cited by Labcorp Genetics (formerly Invitae), Labcorp); PubMed 19344236 (cited by Labcorp Genetics (formerly Invitae), Labcorp); PubMed 23720012 (cited by Labcorp Genetics (formerly Invitae), Labcorp); PubMed 27627812 (cited by Labcorp Genetics (formerly Invitae), Labcorp); PubMed 30968591 (cited by Labcorp Genetics (formerly Invitae), Labcorp); PubMed 8940267 (cited by Labcorp Genetics (formerly Invitae), Labcorp); PubMed 19728970 (cited by Labcorp Genetics (formerly Invitae), Labcorp).

NM_033380.3(COL4A5):c.689G>T (p.Gly230Val)

Gene: COL4A5 (collagen type IV alpha 5 chain; plus strand). Cytogenetic location: Xq22.3.
Variant type: single nucleotide variant.
Coding change: c.689G>T on transcript NM_033380.3 (MANE Select); coding-DNA position 689, G replaced by T.
Protein change: p.Gly230Val; replaces glycine 230 with valine.
Molecular consequence: missense variant.
Genome position (GRCh38, 1-based): chrX:108,578,292, G>T. VCF-style: chrX-108578292-G-T. GRCh37 (hg19) VCF-style: chrX-107821522-G-T.
Other names: c.689G>T, p.Gly230Val (NM_000495.5); short protein forms G230V.
Identifiers: ClinVar variation 930192 (VCV000930192.14), dbSNP rs281874763, ClinGen allele CA413924015.
Genomic context (GRCh38, chrX:108,578,292, plus strand): 5'-TATTACTGTCTGTGGAGATTATGAAGTATCACCACTGTCTTATTTTATCTTGCAAACAGG[G>T]TGAGCAAGGTCTTCAGGGCCCACCTGGGCCACCTGGGCAGATCAGTGAACAGAAAAGACC-3'
Protein context (NP_203699.1, residues 220-240): LNFQGPKGEK[Gly230Val]EQGLQGPPGP